The following is an entry in ClinVar:

NM_000222.3(KIT):c.2041T>C (p.Phe681Leu)

Gene: KIT (KIT proto-oncogene, receptor tyrosine kinase; plus strand). Cytogenetic location: 4q12.
Variant type: single nucleotide variant.
Coding change: c.2041T>C on transcript NM_000222.3 (MANE Select); coding-DNA position 2041, T replaced by C.
Protein change: p.Phe681Leu; replaces phenylalanine 681 with leucine.
Molecular consequence: missense variant.
Genome position (GRCh38, 1-based): chr4:54,729,385, T>C. VCF-style: chr4-54729385-T-C. GRCh37 (hg19) VCF-style: chr4-55595551-T-C.
Other names: c.2029T>C, p.Phe677Leu (NM_001093772.2, NM_001385286.1); c.2044T>C, p.Phe682Leu (NM_001385284.1, NM_001385290.1); c.2041T>C, p.Phe681Leu (NM_001385285.1); c.2032T>C, p.Phe678Leu (NM_001385288.1, NM_001385292.1); short protein forms F677L, F678L, F681L, F682L.
Identifiers: ClinVar variation 2454114 (VCV002454114.5), dbSNP rs1560419344, ClinGen allele CA356909426.

ClinVar aggregate classification (germline): Uncertain significance. Review status: criteria provided, multiple submitters, no conflicts (2 of 4 stars). 2 submissions from 2 submitters: Uncertain significance (2). Last evaluated 2025-11-04.

Conditions:
Gastrointestinal stromal tumor. Also called: Gastrointestinal stromal tumor, somatic; Gastrointestinal stroma tumor. Identifiers: Orphanet 44890, MedGen C0238198, MeSH D046152, MONDO:0011719, OMIM 606764, HP:0100723.
Hereditary cancer-predisposing syndrome. Also called: Hereditary Cancer Syndrome; Hereditary neoplastic syndrome; Neoplastic Syndromes, Hereditary; Tumor predisposition. Identifiers: Orphanet 140162, MedGen C0027672, MeSH D009386, MONDO:0015356.

gnomAD v4.1: 1 of 1,613,794 alleles (0.000062%); highest among the groups gnomAD compares: Non-Finnish European, 0.000085%; no homozygotes.

Submissions (2):

Ambry Genetics
Classification: Uncertain significance for Hereditary cancer-predisposing syndrome. Last evaluated: 2025-11-04. Review status: criteria provided, single submitter. Criteria: Ambry Variant Classification Scheme 2023. Collection method: clinical testing. Allele origin: germline.
Comment: The p.F681L variant (also known as c.2041T>C), located in coding exon 14 of the KIT gene, results from a T to C substitution at nucleotide position 2041. The phenylalanine at codon 681 is replaced by leucine, an amino acid with highly similar properties. This amino acid position is conserved. In addition, the in silico prediction for this alteration is inconclusive. Based on the available evidence, the clinical significance of this variant remains unclear.

Labcorp Genetics (formerly Invitae), Labcorp
Classification: Uncertain significance for Gastrointestinal stromal tumor. Last evaluated: 2023-03-18. Review status: criteria provided, single submitter. Criteria: Invitae Variant Classification Sherloc (09022015). Collection method: clinical testing. Allele origin: germline.
Comment: This variant has not been reported in the literature in individuals affected with KIT-related conditions. This variant is not present in population databases (gnomAD no frequency). This sequence change replaces phenylalanine, which is neutral and non-polar, with leucine, which is neutral and non-polar, at codon 681 of the KIT protein (p.Phe681Leu). In summary, the available evidence is currently insufficient to determine the role of this variant in disease. Therefore, it has been classified as a Variant of Uncertain Significance. An algorithm developed to predict the effect of missense changes on protein structure and function (PolyPhen-2) suggests that this variant is likely to be disruptive.